The following is an entry in ClinVar:

ClinVar aggregate classification (germline): Uncertain significance. Review status: criteria provided, multiple submitters, no conflicts (2 of 4 stars). 3 submissions from 3 submitters: Uncertain significance (3). Last evaluated 2023-11-29.

Conditions:
Cardiovascular phenotype. Identifiers: MedGen CN230736.
Hereditary cancer-predisposing syndrome. Also called: Hereditary neoplastic syndrome; Neoplastic Syndromes, Hereditary; Tumor predisposition; Hereditary Cancer Syndrome. Identifiers: Orphanet 140162, MedGen C0027672, MeSH D009386, MONDO:0015356.
Neurofibromatosis, type 1 (NF1). Also called: VON RECKLINGHAUSEN DISEASE; Peripheral type neurofibromatosis; NEUROFIBROMATOSIS, TYPE I, SOMATIC; Neurofibromatosis, type I. Identifiers: Orphanet 636, MedGen C0027831, MONDO:0018975, OMIM 162200. Disease mechanism: loss of function.

Allele frequency attached by ClinVar (database versions not stated): gnomAD exomes below 0.00001; TOPMed below 0.00001; gnomAD 0.00001.
gnomAD v4.1: 2 of 1,613,220 alleles (0.00012%); highest among the groups gnomAD compares: Non-Finnish European, 0.00017%; no homozygotes.

Submissions (3):

Ambry Genetics
Classification: Uncertain significance for Cardiovascular phenotype; Hereditary cancer-predisposing syndrome. Last evaluated: 2023-11-29. Review status: criteria provided, single submitter. Criteria: Ambry Variant Classification Scheme 2023. Collection method: clinical testing. Allele origin: germline.
Comment: The p.A203S variant (also known as c.607G>T), located in coding exon 6 of the NF1 gene, results from a G to T substitution at nucleotide position 607. The alanine at codon 203 is replaced by serine, an amino acid with similar properties. This amino acid position is well conserved in available vertebrate species. In addition, this alteration is predicted to be tolerated by in silico analysis. Since supporting evidence is limited at this time, the clinical significance of this alteration remains unclear.

Labcorp Genetics (formerly Invitae), Labcorp
Classification: Uncertain significance for Neurofibromatosis, type 1. Last evaluated: 2022-06-30. Review status: criteria provided, single submitter. Criteria: Invitae Variant Classification Sherloc (09022015). Collection method: clinical testing. Allele origin: germline.
Comment: Advanced modeling of protein sequence and biophysical properties (such as structural, functional, and spatial information, amino acid conservation, physicochemical variation, residue mobility, and thermodynamic stability) performed at Invitae indicates that this missense variant is not expected to disrupt NF1 protein function. ClinVar contains an entry for this variant (Variation ID: 484063). This variant has not been reported in the literature in individuals affected with NF1-related conditions. This variant is not present in population databases (gnomAD no frequency). This sequence change replaces alanine, which is neutral and non-polar, with serine, which is neutral and polar, at codon 203 of the NF1 protein (p.Ala203Ser). In summary, the available evidence is currently insufficient to determine the role of this variant in disease. Therefore, it has been classified as a Variant of Uncertain Significance.

Genome-Nilou Lab
Classification: Uncertain significance for Neurofibromatosis, type 1. Last evaluated: 2022-03-15. Review status: criteria provided, single submitter. Criteria: ACMG Guidelines, 2015. Collection method: clinical testing. Allele origin: germline. Affected: no.

NM_001042492.3(NF1):c.607G>T (p.Ala203Ser)

Gene: NF1 (neurofibromin 1; plus strand). Cytogenetic location: 17q11.2.
Variant type: single nucleotide variant.
Coding change: c.607G>T on transcript NM_001042492.3 (MANE Select); coding-DNA position 607, G replaced by T.
Protein change: p.Ala203Ser; replaces alanine 203 with serine.
Molecular consequence: missense variant.
Genome position (GRCh38, 1-based): chr17:31,181,442, G>T. VCF-style: chr17-31181442-G-T. GRCh37 (hg19) VCF-style: chr17-29508460-G-T.
Other names: c.607G>T, p.Ala203Ser (NM_000267.4, NM_001128147.3); short protein forms A203S.
Identifiers: ClinVar variation 484063 (VCV000484063.12), dbSNP rs904361724, ClinGen allele CA289334456.
Genomic context (GRCh38, chr17:31,181,442, plus strand): 5'-TTATTCTAGAGTTAATTTTTAAAAATTGTGTTTTTTCCAGAAACAGCATTTAAATTTAAA[G>T]CCCTAAAGAAGGTTGCGCAGTTAGCAGTTATAAATAGCCTGGAAAAGGTAAGTTACAACC-3'
Protein context (NP_001035957.1, residues 193-213): LLKETAFKFK[Ala203Ser]LKKVAQLAVI